The following is an entry in ClinVar:

NM_001376.5(DYNC1H1):c.7431C>T (p.Pro2477=)

Gene: DYNC1H1 (dynein cytoplasmic 1 heavy chain 1; plus strand). Cytogenetic location: 14q32.31.
Variant type: single nucleotide variant.
Coding change: c.7431C>T on transcript NM_001376.5 (MANE Select); coding-DNA position 7431, C replaced by T.
Protein change: p.Pro2477=; no amino-acid change (proline 2477 retained).
Molecular consequence: synonymous variant.
Genome position (GRCh38, 1-based): chr14:102,016,044, C>T. VCF-style: chr14-102016044-C-T. GRCh37 (hg19) VCF-style: chr14-102482381-C-T.
Identifiers: ClinVar variation 882014 (VCV000882014.14), dbSNP rs375687099, ClinGen allele CA7352812.
Genomic context (GRCh38, chr14:102,016,044, plus strand): 5'-GCTCTTCTCCATGCTGCACCAGGCCTGCCGCAACGTGGCGCAGTATAACGCCAACCATCC[C>T]GACTTCCCCATGCAGATCGAGCAGCTGGAGCGCTACATTCAGGTCAGGGGGCATCAGGGG-3'
Protein context (NP_001367.2, residues 2467-2487): RNVAQYNANH[Pro2477=]DFPMQIEQLE

ClinVar aggregate classification (germline): Conflicting classifications of pathogenicity. Review status: criteria provided, conflicting classifications (1 of 4 stars). 5 submissions from 4 submitters: Uncertain significance (2); Likely benign (2). 1 of the submissions does not count toward it. Last evaluated 2025-03-17.

Conditions:
Autosomal dominant cerebellar ataxia. Also called: Spinocerebellar Ataxia, Dominant. Identifiers: Orphanet 99, MedGen C4087347, MONDO:0020380.
Charcot-Marie-Tooth disease. Also called: Charcot-Marie-Tooth Neuropathy; Charcot-Marie-Tooth Hereditary Neuropathy. Identifiers: Orphanet 166, MedGen C0007959, MONDO:0015626.
DYNC1H1-related disorder. Also called: DYNC1H1-related condition; DYNC1H1-related disorders. Identifiers: MedGen CN381529.
Charcot-Marie-Tooth disease axonal type 2O. Also called: CHARCOT-MARIE-TOOTH NEUROPATHY, AXONAL, TYPE 2O; CHARCOT-MARIE-TOOTH DISEASE, AXONAL, AUTOSOMAL DOMINANT, TYPE 2O; Charcot-Marie-Tooth Neuropathy Type 2O; Charcot-Marie-Tooth disease, axonal, type 20. Identifiers: Orphanet 284232, MedGen C3280220, MONDO:0013644, OMIM 614228.

Allele frequency attached by ClinVar (database versions not stated): gnomAD exomes 0.00001 and 0.00002; ExAC 0.00002; gnomAD 0.00003 and 0.00004; TOPMed 0.00004; ESP Exome Variant Server 0.00008.
gnomAD v4.1: 26 of 1,613,168 alleles (0.0016%); highest among the groups gnomAD compares: Middle Eastern, 0.033%; 1 homozygote.

Submissions (5):

Labcorp Genetics (formerly Invitae), Labcorp
Classification: Likely benign for Charcot-Marie-Tooth disease axonal type 2O. Last evaluated: 2025-03-17. Review status: criteria provided, single submitter. Criteria: Invitae Variant Classification Sherloc (09022015). Collection method: clinical testing. Allele origin: germline.

Illumina Laboratory Services, Illumina
Classification: Uncertain significance for Charcot-Marie-Tooth disease axonal type 2O. Last evaluated: 2018-01-13. Review status: criteria provided, single submitter. Criteria: ICSL Variant Classification Criteria 13 December 2019. Collection method: clinical testing. Allele origin: germline.

Illumina Laboratory Services, Illumina
Classification: Uncertain significance for Spinocerebellar Ataxia, Dominant. Last evaluated: 2018-01-13. Review status: criteria provided, single submitter. Criteria: ICSL Variant Classification Criteria 13 December 2019. Collection method: clinical testing. Allele origin: germline.

Molecular Genetics Laboratory, London Health Sciences Centre
Classification: Likely benign for Charcot-Marie-Tooth disease. Review status: criteria provided, single submitter. Criteria: ACMG Guidelines, 2015. Collection method: clinical testing. Allele origin: germline. Affected: yes.

PreventionGenetics, part of Exact Sciences
Classification: Likely benign for DYNC1H1-related condition. Last evaluated: 2019-06-12. Review status: no assertion criteria provided. Collection method: clinical testing. Allele origin: germline. Not counted in ClinVar's aggregate classification.
Comment: This variant is classified as likely benign based on ACMG/AMP sequence variant interpretation guidelines (Richards et al. 2015 PMID: 25741868, with internal and published modifications).